The following is an entry in ClinVar:

NM_000179.3(MSH6):c.3699_3705dup (p.Ala1236fs)

Gene: MSH6 (mutS homolog 6; plus strand). Cytogenetic location: 2p16.3.
Variant type: Duplication.
Coding change: c.3699_3705dup on transcript NM_000179.3 (MANE Select); coding-DNA positions 3699 to 3705, 7 bases duplicated (AGAACTT; older notation c.3699_3705dupAGAACTT).
Protein change: p.Ala1236fs; shifts the reading frame from alanine 1236.
Molecular consequence: frameshift variant.
Genome position (GRCh38, 1-based): chr2:47,806,256-47,806,262, AGAACTT duplicated. VCF-style (leftmost placement, unchanged base first): chr2-47806255-A-AAGAACTT. GRCh37 (hg19) VCF-style: chr2-48033394-A-AAGAACTT.
Other names: c.3699_3705dupAGAACTT (NM_000179.2); c.3309_3315dup, p.Ala1106fs (NM_001281492.2); c.2793_2799dup, p.Ala934fs (NM_001281493.2, NM_001281494.2); short protein forms A934fs, A1236fs, A1106fs.
Identifiers: ClinVar variation 483806 (VCV000483806.7), dbSNP rs1553333031, ClinGen allele CA658655735.

ClinVar aggregate classification (germline): Pathogenic. Review status: criteria provided, multiple submitters, no conflicts (2 of 4 stars). 3 submissions from 3 submitters: Pathogenic (3). Last evaluated 2024-07-10.

Conditions:
Lynch syndrome. Identifiers: Orphanet 144, MedGen C4552100, MONDO:0005835. Disease mechanism: loss of function.
Hereditary cancer-predisposing syndrome. Also called: Neoplastic Syndromes, Hereditary; Tumor predisposition; Hereditary Cancer Syndrome; Hereditary neoplastic syndrome. Identifiers: Orphanet 140162, MedGen C0027672, MeSH D009386, MONDO:0015356.

Submissions (3):

All of Us Research Program, National Institutes of Health
Classification: Pathogenic for Lynch syndrome. Last evaluated: 2024-07-10. Review status: criteria provided, single submitter. Criteria: ACMG Guidelines, 2015. Collection method: clinical testing. Allele origin: germline. Inheritance: Autosomal dominant inheritance. Observed: 1 variant allele, 1 heterozygote.
Comment: This variant duplicates 7 nucleotides in exon 8 of the MSH6 gene, creating a frameshift and premature translation stop signal. This variant is expected to result in an absent or non-functional protein product. To our knowledge, this variant has not been reported in individuals affected with MSH6-related disorders in the literature. This variant has not been identified in the general population by the Genome Aggregation Database (gnomAD). Loss of MSH6 function is a known mechanism of disease. Based on the available evidence, this variant is classified as Pathogenic.

This study involves interpretation of variants in research participants for the purpose of population health screening. Participant phenotype was not available at the time of variant classification. Additional details can be found in publication PMID: 35346344, PMCID: PMC8962531

Color Diagnostics, LLC DBA Color Health
Classification: Pathogenic for Hereditary cancer-predisposing syndrome. Last evaluated: 2024-04-24. Review status: criteria provided, single submitter. Criteria: ACMG Guidelines, 2015. Collection method: clinical testing. Allele origin: germline.
Comment: This variant duplicates 7 nucleotides in exon 8 of the MSH6 gene, creating a frameshift and premature translation stop signal. This variant is expected to result in an absent or non-functional protein product. To our knowledge, this variant has not been reported in individuals affected with MSH6-related disorders in the literature. This variant has not been identified in the general population by the Genome Aggregation Database (gnomAD). Loss of MSH6 function is a known mechanism of disease. Based on the available evidence, this variant is classified as Pathogenic.

Ambry Genetics
Classification: Pathogenic for Hereditary cancer-predisposing syndrome. Last evaluated: 2022-03-10. Review status: criteria provided, single submitter. Criteria: Ambry Variant Classification Scheme 2023. Collection method: clinical testing. Allele origin: germline.
Comment: The c.3699_3705dupAGAACTT pathogenic mutation, located in coding exon 8 of the MSH6 gene, results from a duplication of AGAACTT at nucleotide position 3699, causing a translational frameshift with a predicted alternate stop codon (p.A1236Rfs*4). This alteration is expected to result in loss of function by premature protein truncation or nonsense-mediated mRNA decay. As such, this alteration is interpreted as a disease-causing mutation.